The following is an entry in ClinVar:

ClinVar aggregate classification (germline): Uncertain significance. Review status: criteria provided, multiple submitters, no conflicts (2 of 4 stars). 2 submissions from 2 submitters: Uncertain significance (2). Last evaluated 2025-06-12.

Conditions:
Inborn genetic diseases. Identifiers: MedGen C0950123, MeSH D030342.

Allele frequency attached by ClinVar (database versions not stated): ExAC 0.00001; gnomAD exomes 0.00001; gnomAD 0.00012; TOPMed 0.00014.
gnomAD v4.1: 34 of 1,614,002 alleles (0.0021%); highest among the groups gnomAD compares: African/African-American, 0.036%; no homozygotes.

Submissions (2):

Labcorp Genetics (formerly Invitae), Labcorp
Classification: Uncertain significance. Last evaluated: 2025-06-12. Review status: criteria provided, single submitter. Criteria: Invitae Variant Classification Sherloc (09022015). Collection method: clinical testing. Allele origin: germline.
Comment: This sequence change replaces serine, which is neutral and polar, with glycine, which is neutral and non-polar, at codon 1190 of the PLCE1 protein (p.Ser1190Gly). This variant is present in population databases (rs769027296, gnomAD 0.04%). This variant has not been reported in the literature in individuals affected with PLCE1-related conditions. ClinVar contains an entry for this variant (Variation ID: 2067751). Invitae Evidence Modeling of protein sequence and biophysical properties (such as structural, functional, and spatial information, amino acid conservation, physicochemical variation, residue mobility, and thermodynamic stability) indicates that this missense variant is not expected to disrupt PLCE1 protein function with a negative predictive value of 80%. In summary, the available evidence is currently insufficient to determine the role of this variant in disease. Therefore, it has been classified as a Variant of Uncertain Significance.

Ambry Genetics
Classification: Uncertain significance for Inborn genetic diseases. Last evaluated: 2024-10-12. Review status: criteria provided, single submitter. Criteria: Ambry Variant Classification Scheme 2023. Collection method: clinical testing. Allele origin: germline.

NM_016341.4(PLCE1):c.3568A>G (p.Ser1190Gly)

Gene: PLCE1 (phospholipase C epsilon 1; plus strand). Cytogenetic location: 10q23.33.
Variant type: single nucleotide variant.
Coding change: c.3568A>G on transcript NM_016341.4 (MANE Select); coding-DNA position 3568, A replaced by G.
Protein change: p.Ser1190Gly; replaces serine 1190 with glycine.
Molecular consequence: missense variant.
Genome position (GRCh38, 1-based): chr10:94,258,813, A>G. VCF-style: chr10-94258813-A-G. GRCh37 (hg19) VCF-style: chr10-96018570-A-G.
Other names: c.3568A>G (NM_016341.3); c.2644A>G, p.Ser882Gly (NM_001165979.2); c.3520A>G, p.Ser1174Gly (NM_001288989.2); short protein forms S1190G, S1174G, S882G.
Identifiers: ClinVar variation 2067751 (VCV002067751.5), dbSNP rs769027296, ClinGen allele CA5612927.
Genomic context (GRCh38, chr10:94,258,813, plus strand): 5'-AACAGTGGCCTGCCCTTGTGCCCATGAAGGCCTTGTCTTTGTTGCAGTGCTTGGAGCAGT[A>G]GTAGCTGGCACGGGCGGATCAAAGGCGGCATGAAGGGATTTCAGAGCTTCATGGTTTCAG-3'
Protein context (NP_057425.3, residues 1180-1200): NKSPSSAWSS[Ser1190Gly]SWHGRIKGGM